The following is an entry in ClinVar:

NM_001323289.2(CDKL5):c.1602A>C (p.Arg534Ser)

Gene: CDKL5 (cyclin dependent kinase like 5; plus strand). Cytogenetic location: Xp22.13.
Variant type: single nucleotide variant.
Coding change: c.1602A>C on transcript NM_001323289.2 (MANE Select); coding-DNA position 1602, A replaced by C.
Protein change: p.Arg534Ser; replaces arginine 534 with serine.
Molecular consequence: missense variant.
Genome position (GRCh38, 1-based): chrX:18,604,526, A>C. VCF-style: chrX-18604526-A-C. GRCh37 (hg19) VCF-style: chrX-18622646-A-C.
Other names: c.1602A>C, p.Arg534Ser (NM_001037343.2, NM_003159.3); short protein forms R534S.
Identifiers: ClinVar variation 1022264 (VCV001022264.9), dbSNP rs1385183228, ClinGen allele CA412361905.

ClinVar aggregate classification (germline): Uncertain significance (1 of 4 stars; one submission).

Conditions:
Angelman syndrome-like. Identifiers: MedGen CN128785.
Developmental and epileptic encephalopathy, 2 (DEE2). Also called: INFANTILE SPASM SYNDROME, X-LINKED 2; CDKL5 deficiency disorder. Identifiers: Orphanet 1934, Orphanet 3451, Orphanet 505652, MedGen C4750718, MONDO:0010396, OMIM 300672.

Allele frequency attached by ClinVar (database versions not stated): gnomAD exomes below 0.00001.
gnomAD v4.1: 1 of 1,211,601 alleles (0.000083%); highest among the groups gnomAD compares: Non-Finnish European, 0.00011%; no homozygotes.

Submission:

Labcorp Genetics (formerly Invitae), Labcorp
Classification: Uncertain significance for Developmental and epileptic encephalopathy, 2; Angelman syndrome-like. Last evaluated: 2025-06-02. Review status: criteria provided, single submitter. Criteria: Invitae Variant Classification Sherloc (09022015). Collection method: clinical testing. Allele origin: germline.
Comment: This sequence change replaces arginine, which is basic and polar, with serine, which is neutral and polar, at codon 534 of the CDKL5 protein (p.Arg534Ser). This variant is not present in population databases (gnomAD no frequency). This variant has not been reported in the literature in individuals affected with CDKL5-related conditions. ClinVar contains an entry for this variant (Variation ID: 1022264). Invitae Evidence Modeling of protein sequence and biophysical properties (such as structural, functional, and spatial information, amino acid conservation, physicochemical variation, residue mobility, and thermodynamic stability) indicates that this missense variant is not expected to disrupt CDKL5 protein function with a negative predictive value of 95%. In summary, the available evidence is currently insufficient to determine the role of this variant in disease. Therefore, it has been classified as a Variant of Uncertain Significance.